The following is an entry in ClinVar:

NM_007194.4(CHEK2):c.792+7A>G

Gene: CHEK2 (checkpoint kinase 2; minus strand). Cytogenetic location: 22q12.1.
Variant type: single nucleotide variant.
Coding change: c.792+7A>G on transcript NM_007194.4 (MANE Select); 7 bases into the intron after coding-DNA position 792, A replaced by G.
Molecular consequence: intron variant.
Genome position (GRCh38, 1-based): chr22:28,711,902, T>C on the plus strand (A>G on the coding strand, the complement: CHEK2 is on the minus strand). VCF-style: chr22-28711902-T-C. GRCh37 (hg19) VCF-style: chr22-29107890-T-C.
Other names: c.129+7A>G (NM_001437942.1, NM_001257387.3); c.591+7A>G (NM_001349956.3); c.792+7A>G (NM_145862.3); c.885+7A>G (NM_001438295.1, NM_001438293.1); c.921+7A>G (NM_001438294.1, NM_001005735.3).
Identifiers: ClinVar variation 762703 (VCV000762703.12), dbSNP rs1601782720, ClinGen allele CA915952860.

ClinVar aggregate classification (germline): Conflicting classifications of pathogenicity. Review status: criteria provided, conflicting classifications (1 of 4 stars). 3 submissions from 3 submitters: Uncertain significance (1); Likely benign (2). Last evaluated 2024-10-03.

Conditions:
Familial cancer of breast. Also called: BREAST CANCER, FAMILIAL; hereditary breast carcinoma; Hereditary breast cancer. Identifiers: Orphanet 227535, MedGen C0346153, MONDO:0016419, OMIM 114480. Disease mechanism: loss of function.

Allele frequency attached by ClinVar (database versions not stated): gnomAD exomes below 0.00001.
gnomAD v4.1: 1 of 1,578,104 alleles (0.000063%); highest among the groups gnomAD compares: Non-Finnish European, 0.000087%; no homozygotes.

Submissions (3):

Myriad Genetics, Inc.
Classification: Likely benign for Familial cancer of breast. Last evaluated: 2024-10-03. Review status: criteria provided, single submitter. Criteria: Myriad Autosomal Dominant, Autosomal Recessive and X-Linked Classification Criteria (2023). Collection method: clinical testing. Allele origin: unknown.
Comment: This variant is considered likely benign. This variant is intronic and is not expected to impact mRNA splicing.

Quest Diagnostics Nichols Institute San Juan Capistrano
Classification: Uncertain significance. Last evaluated: 2024-09-27. Review status: criteria provided, single submitter. Criteria: Quest Diagnostics criteria. Collection method: clinical testing. Allele origin: unknown.
Comment: The CHEK2 c.792+7A>G variant has not been reported in individuals with CHEK2-related conditions in the published literature. It also has not been reported in large, multi-ethnic general populations (Genome Aggregation Database). Analysis of this variant using software algorithms for the prediction of the effect of nucleotide changes on splicing yielded predictions that this variant does not affect CHEK2 mRNA splicing. Based on the available information, we are unable to determine the clinical significance of this variant.

Labcorp Genetics (formerly Invitae), Labcorp
Classification: Likely benign for Familial cancer of breast. Last evaluated: 2024-06-15. Review status: criteria provided, single submitter. Criteria: Invitae Variant Classification Sherloc (09022015). Collection method: clinical testing. Allele origin: germline.